The following is an entry in ClinVar:

ClinVar aggregate classification (germline): Likely benign. Review status: criteria provided, single submitter (1 of 4 stars). 2 submissions from 2 submitters: Likely benign (1). 1 of the submissions does not count toward it.

Conditions:
ROBO3-related disorder. Also called: ROBO3-related condition.

Allele frequency attached by ClinVar (database versions not stated): TOPMed 0.00005.
gnomAD v4.1: 23 of 1,449,776 alleles (0.0016%); highest among the groups gnomAD compares: Middle Eastern, 0.042%; no homozygotes.

Submissions (2):

Breakthrough Genomics
Classification: Likely benign. Review status: criteria provided, single submitter. Criteria: ACMG Guidelines, 2015. Collection method: not provided. Allele origin: germline. Inheritance: Autosomal recessive inheritance. Affected: yes.

PreventionGenetics, part of Exact Sciences
Classification: Likely benign for ROBO3-related condition. Last evaluated: 2023-08-21. Review status: no assertion criteria provided. Collection method: clinical testing. Allele origin: germline. Not counted in ClinVar's aggregate classification.
Comment: This variant is classified as likely benign based on ACMG/AMP sequence variant interpretation guidelines (Richards et al. 2015 PMID: 25741868, with internal and published modifications).

NM_022370.4(ROBO3):c.2706G>A (p.Gly902=)

Gene: ROBO3 (roundabout guidance receptor 3; plus strand). Cytogenetic location: 11q24.2.
Variant type: single nucleotide variant.
Coding change: c.2706G>A on transcript NM_022370.4 (MANE Select); coding-DNA position 2706, G replaced by A.
Protein change: p.Gly902=; no amino-acid change (glycine 902 retained).
Molecular consequence: synonymous variant. On other transcripts: 5 prime UTR variant (1), non-coding transcript variant (1).
Genome position (GRCh38, 1-based): chr11:124,876,387, G>A. VCF-style: chr11-124876387-G-A. GRCh37 (hg19) VCF-style: chr11-124746283-G-A.
Other names: c.-148G>A (NM_001370356.1).
Identifiers: ClinVar variation 3031708 (VCV003031708.3), dbSNP rs766437844, ClinGen allele CA6343880.